The following is an entry in ClinVar:

ClinVar aggregate classification (germline): Uncertain significance (1 of 4 stars; one submission).

Allele frequency attached by ClinVar (database versions not stated): gnomAD 0.00001.
gnomAD v4.1: 2 of 1,611,790 alleles (0.00012%); highest among the groups gnomAD compares: African/African-American, 0.0027%; no homozygotes.

Submission:

Labcorp Genetics (formerly Invitae), Labcorp
Classification: Uncertain significance. Last evaluated: 2022-03-14. Review status: criteria provided, single submitter. Criteria: Invitae Variant Classification Sherloc (09022015). Collection method: clinical testing. Allele origin: germline.
Comment: In summary, the available evidence is currently insufficient to determine the role of this variant in disease. Therefore, it has been classified as a Variant of Uncertain Significance. Variants that disrupt the consensus splice site are a relatively common cause of aberrant splicing (PMID: 17576681, 9536098). Algorithms developed to predict the effect of sequence changes on RNA splicing suggest that this variant is not likely to affect RNA splicing. This variant has not been reported in the literature in individuals affected with NBAS-related conditions. This variant is not present in population databases (gnomAD no frequency). This sequence change falls in intron 37 of the NBAS gene. It does not directly change the encoded amino acid sequence of the NBAS protein. It affects a nucleotide within the consensus splice site.

Literature cited by the submitters: PubMed 17576681; PubMed 9536098.

NM_015909.4(NBAS):c.4461+4A>G

Gene: NBAS (NBAS subunit of NRZ tethering complex; minus strand). Cytogenetic location: 2p24.3.
Variant type: single nucleotide variant.
Coding change: c.4461+4A>G on transcript NM_015909.4 (MANE Select); 4 bases into the intron after coding-DNA position 4461, A replaced by G.
Molecular consequence: intron variant.
Genome position (GRCh38, 1-based): chr2:15,328,195, T>C on the plus strand (A>G on the coding strand, the complement: NBAS is on the minus strand). VCF-style: chr2-15328195-T-C. GRCh37 (hg19) VCF-style: chr2-15468319-T-C.
Identifiers: ClinVar variation 2080433 (VCV002080433.4), dbSNP rs1672164435, ClinGen allele CA1027837913.